The following is an entry in ClinVar:

ClinVar aggregate classification (germline): Uncertain significance (1 of 4 stars; one submission).

Submission:

Labcorp Genetics (formerly Invitae), Labcorp
Classification: Uncertain significance. Last evaluated: 2022-07-01. Review status: criteria provided, single submitter. Criteria: Invitae Variant Classification Sherloc (09022015). Collection method: clinical testing. Allele origin: germline.
Comment: In summary, the available evidence is currently insufficient to determine the role of this variant in disease. Therefore, it has been classified as a Variant of Uncertain Significance. Algorithms developed to predict the effect of missense changes on protein structure and function are either unavailable or do not agree on the potential impact of this missense change (SIFT: "Deleterious"; PolyPhen-2: "Possibly Damaging"; Align-GVGD: "Class C15"). This variant has not been reported in the literature in individuals affected with TUBA1A-related conditions. This variant is not present in population databases (gnomAD no frequency). This sequence change replaces isoleucine, which is neutral and non-polar, with phenylalanine, which is neutral and non-polar, at codon 115 of the TUBA1A protein (p.Ile115Phe).

NM_006009.4(TUBA1A):c.343A>T (p.Ile115Phe)

Gene: TUBA1A (tubulin alpha 1a; minus strand). Cytogenetic location: 12q13.12.
Variant type: single nucleotide variant.
Coding change: c.343A>T on transcript NM_006009.4 (MANE Select); coding-DNA position 343, A replaced by T.
Protein change: p.Ile115Phe; replaces isoleucine 115 with phenylalanine.
Molecular consequence: missense variant.
Genome position (GRCh38, 1-based): chr12:49,186,342, T>A on the plus strand (A>T on the coding strand, the complement: TUBA1A is on the minus strand). VCF-style: chr12-49186342-T-A. GRCh37 (hg19) VCF-style: chr12-49580125-T-A.
Other names: c.343A>T, p.Ile115Phe (NM_001270399.2); c.238A>T, p.Ile80Phe (NM_001270400.2); short protein forms I80F, I115F.
Identifiers: ClinVar variation 2012634 (VCV002012634.4), dbSNP rs2498862307, ClinGen allele CA384643139.